The following is an entry in ClinVar:

ClinVar aggregate classification (germline): Uncertain significance (1 of 4 stars; one submission).

Conditions:
Hereditary cancer-predisposing syndrome. Also called: Neoplastic Syndromes, Hereditary; Tumor predisposition; Hereditary Cancer Syndrome; Hereditary neoplastic syndrome. Identifiers: Orphanet 140162, MedGen C0027672, MeSH D009386, MONDO:0015356.

Submission:

Ambry Genetics
Classification: Uncertain significance for Hereditary cancer-predisposing syndrome. Last evaluated: 2026-03-16. Review status: criteria provided, single submitter. Criteria: Ambry Variant Classification Scheme 2023. Collection method: clinical testing. Allele origin: germline.
Comment: The p.S1411I variant (also known as c.4232G>T), located in coding exon 15 of the APC gene, results from a G to T substitution at nucleotide position 4232. The serine at codon 1411 is replaced by isoleucine, an amino acid with dissimilar properties. This amino acid position is conserved. In addition, in silico predictors for this gene do not accurately predict pathogenicity. Based on the available evidence, the clinical significance of this variant remains unclear.

NM_000038.6(APC):c.4232G>T (p.Ser1411Ile)

Gene: APC (APC regulator of Wnt signaling pathway; plus strand). Cytogenetic location: 5q22.2.
Variant type: single nucleotide variant.
Coding change: c.4232G>T on transcript NM_000038.6 (MANE Select); coding-DNA position 4232, G replaced by T.
Protein change: p.Ser1411Ile; replaces serine 1411 with isoleucine.
Molecular consequence: missense variant. On other transcripts: non-coding transcript variant (2).
Genome position (GRCh38, 1-based): chr5:112,839,826, G>T. VCF-style: chr5-112839826-G-T. GRCh37 (hg19) VCF-style: chr5-112175523-G-T.
Other names: c.4202G>T, p.Ser1401Ile (NM_001407452.1); c.4055G>T, p.Ser1352Ile (NM_001407453.1, NM_001354901.2); c.3983G>T, p.Ser1328Ile (NM_001407454.1, NM_001407455.1, NM_001407456.1 and 1 more transcripts); c.3929G>T, p.Ser1310Ile (NM_001407458.1, NM_001407459.1, NM_001407460.1 and 1 more transcripts); c.3845G>T, p.Ser1282Ile (NM_001407467.1, NM_001407469.1); c.3383G>T, p.Ser1128Ile (NM_001407470.1, NM_001354906.2); c.3080G>T, p.Ser1027Ile (NM_001407471.1, NM_001407472.1); c.4232G>T, p.Ser1411Ile (NM_001127510.3, NM_001354895.2, NM_001407450.1); and 11 more; short protein forms S1027I, S1128I, S1251I, S1282I, S1285I, S1310I, S1320I, S1328I.
Identifiers: ClinVar variation 4860843 (VCV004860843.1).